The following is an entry in ClinVar:

NM_001793.6(CDH3):c.2377A>C (p.Ser793Arg)

Gene: CDH3 (cadherin 3; plus strand). Cytogenetic location: 16q22.1.
Variant type: single nucleotide variant.
Coding change: c.2377A>C on transcript NM_001793.6 (MANE Select); coding-DNA position 2377, A replaced by C.
Protein change: p.Ser793Arg; replaces serine 793 with arginine.
Molecular consequence: missense variant. On other transcripts: 3 prime UTR variant (1).
Genome position (GRCh38, 1-based): chr16:68,698,287, A>C. VCF-style: chr16-68698287-A-C. GRCh37 (hg19) VCF-style: chr16-68732190-A-C.
Other names: c.*120A>C (NM_001317195.3); c.2212A>C, p.Ser738Arg (NM_001317196.2); short protein forms S738R, S793R.
Identifiers: ClinVar variation 1964721 (VCV001964721.2), dbSNP rs766733532, ClinGen allele CA8129723.

ClinVar aggregate classification (germline): Uncertain significance (1 of 4 stars; one submission).

Allele frequency attached by ClinVar (database versions not stated): gnomAD exomes below 0.00001; ExAC 0.00001; gnomAD 0.00001.
gnomAD v4.1: 4 of 1,614,096 alleles (0.00025%); highest among the groups gnomAD compares: Non-Finnish European, 0.00034%; no homozygotes.

Submission:

Labcorp Genetics (formerly Invitae), Labcorp
Classification: Uncertain significance. Last evaluated: 2022-03-27. Review status: criteria provided, single submitter. Criteria: Invitae Variant Classification Sherloc (09022015). Collection method: clinical testing. Allele origin: germline.
Comment: This sequence change replaces serine, which is neutral and polar, with arginine, which is basic and polar, at codon 793 of the CDH3 protein (p.Ser793Arg). This variant is not present in population databases (gnomAD no frequency). This variant has not been reported in the literature in individuals affected with CDH3-related conditions. Algorithms developed to predict the effect of missense changes on protein structure and function are either unavailable or do not agree on the potential impact of this missense change (SIFT: "Not Available"; PolyPhen-2: "Probably Damaging"; Align-GVGD: "Not Available"). In summary, the available evidence is currently insufficient to determine the role of this variant in disease. Therefore, it has been classified as a Variant of Uncertain Significance.